The following is an entry in ClinVar:

NM_000051.4(ATM):c.7865C>G (p.Ala2622Gly)

Genes: ATM (ATM serine/threonine kinase; plus strand), C11orf65 (chromosome 11 open reading frame 65; minus strand). Cytogenetic location: 11q22.3.
Variant type: single nucleotide variant.
Coding change: c.7865C>G on transcript NM_000051.4 (MANE Select); coding-DNA position 7865, C replaced by G.
Protein change: p.Ala2622Gly; replaces alanine 2622 with glycine.
Molecular consequence: missense variant. On other transcripts: intron variant (2).
Genome position (GRCh38, 1-based): chr11:108,332,838, C>G. VCF-style: chr11-108332838-C-G. GRCh37 (hg19) VCF-style: chr11-108203565-C-G.
Other names: c.7865C>G, p.Ala2622Gly (NM_001351834.2); c.641-23767G>C (NM_001330368.2); c.*38+2382G>C (NM_001351110.2); short protein forms A2622G.
Identifiers: ClinVar variation 187688 (VCV000187688.55), dbSNP rs766351395, ClinGen allele CA198312.
Genomic context (GRCh38, chr11:108,332,838, plus strand): 5'-CAAATAGAATAATATGTACTATCAGAAGTAGGAGACCTCAGATGGTCAGAAGTGTTGAGG[C>G]ACTTTGTGATGCTTATATTATATTAGCAAACTTAGATGCCACTCAGTGGAAGACTCAGAG-3'
Protein context (NP_000042.3, residues 2612-2632): RRPQMVRSVE[Ala2622Gly]LCDAYIILAN

ClinVar aggregate classification (germline): Uncertain significance. Review status: criteria provided, multiple submitters, no conflicts (2 of 4 stars). 9 submissions from 9 submitters: Uncertain significance (8). 1 of the submissions does not count toward it. Last evaluated 2025-07-29.

Conditions:
Hereditary cancer-predisposing syndrome. Also called: Hereditary Cancer Syndrome; Tumor predisposition; Neoplastic Syndromes, Hereditary; Hereditary neoplastic syndrome. Identifiers: Orphanet 140162, MedGen C0027672, MeSH D009386, MONDO:0015356.
Familial cancer of breast. Also called: hereditary breast carcinoma; BREAST CANCER, FAMILIAL; Hereditary breast cancer. Identifiers: Orphanet 227535, MedGen C0346153, MONDO:0016419, OMIM 114480. Disease mechanism: loss of function.
Ataxia-telangiectasia syndrome (AT). Also called: ATAXIA-TELANGIECTASIA, COMPLEMENTATION GROUP A; ATAXIA-TELANGIECTASIA, FRESNO VARIANT; Ataxia-telangiectasia; Ataxia-telangiectasia, complementation group E; Cerebello-oculocutaneous telangiectasia; Immunodeficiency with ataxia telangiectasia. Identifiers: Orphanet 100, MedGen C0004135, MONDO:0008840, OMIM 208900.

Allele frequency attached by ClinVar (database versions not stated): gnomAD exomes 0.00001 and below 0.00001; TOPMed below 0.00001; ExAC 0.00001.
gnomAD v4.1: 6 of 1,613,048 alleles (0.00037%); highest among the groups gnomAD compares: Non-Finnish European, 0.00042%; no homozygotes.

Submissions (9):

Ambry Genetics
Classification: Uncertain significance for Hereditary cancer-predisposing syndrome. Last evaluated: 2025-07-29. Review status: criteria provided, single submitter. Criteria: Ambry Variant Classification Scheme 2023. Collection method: clinical testing. Allele origin: germline.
Comment: The p.A2622G variant (also known as c.7865C>G), located in coding exon 52 of the ATM gene, results from a C to G substitution at nucleotide position 7865. The alanine at codon 2622 is replaced by glycine, an amino acid with similar properties. This alteration was detected in 1/5589 German BRCA1/2-negative probands with breast cancer (Hauke J et al. Cancer Med, 2018 04;7:1349-1358). This amino acid position is not well conserved in available vertebrate species. In addition, this alteration is predicted to be tolerated by in silico analysis. Based on the available evidence, the clinical significance of this variant remains unclear.

Labcorp Genetics (formerly Invitae), Labcorp
Classification: Uncertain significance for Ataxia-telangiectasia syndrome. Last evaluated: 2024-12-05. Review status: criteria provided, single submitter. Criteria: Invitae Variant Classification Sherloc (09022015). Collection method: clinical testing. Allele origin: germline.
Comment: This sequence change replaces alanine, which is neutral and non-polar, with glycine, which is neutral and non-polar, at codon 2622 of the ATM protein (p.Ala2622Gly). This variant is present in population databases (rs766351395, gnomAD 0.002%). This variant has not been reported in the literature in individuals affected with ATM-related conditions. ClinVar contains an entry for this variant (Variation ID: 187688). Invitae Evidence Modeling of protein sequence and biophysical properties (such as structural, functional, and spatial information, amino acid conservation, physicochemical variation, residue mobility, and thermodynamic stability) indicates that this missense variant is not expected to disrupt ATM protein function with a negative predictive value of 95%. In summary, the available evidence is currently insufficient to determine the role of this variant in disease. Therefore, it has been classified as a Variant of Uncertain Significance.

Blueprint Genetics
Classification: Uncertain significance. Last evaluated: 2024-11-19. Review status: criteria provided, single submitter. Criteria: ACMG Guidelines, 2015. Collection method: clinical testing. Allele origin: germline.

Quest Diagnostics Nichols Institute San Juan Capistrano
Classification: Uncertain significance. Last evaluated: 2024-09-02. Review status: criteria provided, single submitter. Criteria: Quest Diagnostics criteria. Collection method: clinical testing. Allele origin: unknown.
Comment: The ATM c.7865C>G (p.Ala2622Gly) variant in the ATM gene. In the published literature, this variant has been reported in individuals with breast cancer (PMIDs: 29522266 (2018), 33471991 (2021), see also LOVD). This variant has also been observed in reportedly healthy individuals (PMID: 33471991 (2021), see also LOVD). The frequency of this variant in the general population, 0.000008 (2/250856 chromosomes (Genome Aggregation Database)), is uninformative in the assessment of its pathogenicity. ClinVar contains an entry for this variant (URL:, Variation ID: 187688). Analysis of this variant using bioinformatics tools (i.e., MutationTaster and PolyPhen-2) for the prediction of the effect of amino acid changes on protein structure and function yielded conflicting predictions that this variant is deleterious or benign. Please note that these prediction tools are not fully validated, and therefore, should be viewed with caution. Based on the available information, we are unable to determine the clinical significance of this variant.

Baylor Genetics
Classification: Uncertain significance for Familial cancer of breast. Last evaluated: 2023-10-24. Review status: criteria provided, single submitter. Criteria: ACMG Guidelines, 2015. Collection method: clinical testing. Allele origin: unknown.

CeGaT Center for Human Genetics Tuebingen
Classification: Uncertain significance. Last evaluated: 2023-09-01. Review status: criteria provided, single submitter. Criteria: CeGaT Center For Human Genetics Tuebingen Variant Classification Criteria Version 2. Collection method: clinical testing. Allele origin: germline. Affected: yes. Observed: 1 variant allele.
Comment: ATM: PM5, BP4

Color Diagnostics, LLC DBA Color Health
Classification: Uncertain significance for Hereditary cancer-predisposing syndrome. Last evaluated: 2020-02-04. Review status: criteria provided, single submitter. Criteria: ACMG Guidelines, 2015. Collection method: clinical testing. Allele origin: germline.
Comment: This missense variant replaces alanine with glycine at codon 2622 of the ATM protein. Computational prediction suggests that this variant may not impact protein structure and function (internally defined REVEL score threshold <= 0.5, PMID: 27666373). Splice site prediction tools suggest that this variant may not impact RNA splicing. To our knowledge, functional studies have not been performed for this variant. This variant has not been reported in individuals affected with hereditary cancer in the literature. This variant has been identified in 2/250856 chromosomes in the general population by the Genome Aggregation Database (gnomAD). The available evidence is insufficient to determine the role of this variant in disease conclusively. Therefore, this variant is classified as a Variant of Uncertain Significance.

GeneDx
Classification: Uncertain significance. Last evaluated: 2015-02-17. Review status: criteria provided, single submitter. Criteria: GeneDx Variant Classification (06012015). Collection method: clinical testing. Allele origin: germline. Affected: yes.
Comment: This variant is denoted ATM c.7865C>G at the cDNA level, p.Ala2622Gly (A2622G) at the protein level, and results in the change of an Alanine to a Glycine (GCA>GGA). This variant has not, to our knowledge, been published in the literature as pathogenic or benign. ATM Ala2622Gly was not observed in approximately 6,500 individuals of European and African American ancestry in the NHLBI Exome Sequencing Project, indicating it is not a common benign variant in these populations. Since Alanine and Glycine share similar properties, this is considered a conservative amino acid substitution. ATM Ala2622Gly occurs at a position that is conserved among mammals and is not located in a known functional domain. In silico analyses are inconsistent regarding the effect this variant may have on protein structure and function. Based on currently available information, it is unclear whether ATM Ala2622Gly is pathogenic or benign. We consider it to be a variant of uncertain significance.

Natera, Inc.
Classification: Uncertain significance for Ataxia-telangiectasia. Last evaluated: 2020-08-14. Review status: no assertion criteria provided. Collection method: clinical testing. Allele origin: germline. Not counted in ClinVar's aggregate classification.

Literature cited by the submitters: PubMed 20945614 (cited by Ambry Genetics); PubMed 29522266 (cited by Ambry Genetics and Quest Diagnostics Nichols Institute San Juan Capistrano); PubMed 33471991 (cited by Quest Diagnostics Nichols Institute San Juan Capistrano).